The following is an entry in ClinVar:

NM_020232.5(PSMG2):c.386G>A (p.Arg129His)

Gene: PSMG2 (proteasome assembly chaperone 2; plus strand). Cytogenetic location: 18p11.21.
Variant type: single nucleotide variant.
Coding change: c.386G>A on transcript NM_020232.5 (MANE Select); coding-DNA position 386, G replaced by A.
Protein change: p.Arg129His; replaces arginine 129 with histidine.
Molecular consequence: missense variant.
Genome position (GRCh38, 1-based): chr18:12,718,614, G>A. VCF-style: chr18-12718614-G-A. GRCh37 (hg19) VCF-style: chr18-12718613-G-A.
Other names: c.293G>A, p.Arg98His (NM_147163.2); short protein forms R129H, R98H.
Identifiers: ClinVar variation 1427854 (VCV001427854.8), dbSNP rs1448025985, ClinGen allele CA401967604.
Genomic context (GRCh38, chr18:12,718,614, plus strand): 5'-GGGTGAAAAGCAGTGGCTGTGCCAGAGTCATTGTTCTTTCAAGCAGTCATTCATATCAGC[G>A]TAATGATCTGCAGCTTCGTAGGTATGTTTCTGCCTCTGGAAAGTTATTTTTGGTATGGTT-3'
Protein context (NP_064617.2, residues 119-139): IVLSSSHSYQ[Arg129His]NDLQLRSTPF

ClinVar aggregate classification (germline): Uncertain significance (1 of 4 stars; one submission).

Allele frequency attached by ClinVar (database versions not stated): gnomAD 0.00001; gnomAD exomes 0.00001; TOPMed 0.00002.

Submission:

Labcorp Genetics (formerly Invitae), Labcorp
Classification: Uncertain significance. Last evaluated: 2025-07-23. Review status: criteria provided, single submitter. Criteria: Invitae Variant Classification Sherloc (09022015). Collection method: clinical testing. Allele origin: germline.
Comment: This sequence change replaces arginine, which is basic and polar, with histidine, which is basic and polar, at codon 129 of the PSMG2 protein (p.Arg129His). This variant is present in population databases (no rsID available, gnomAD 0.003%). This variant has not been reported in the literature in individuals affected with PSMG2-related conditions. ClinVar contains an entry for this variant (Variation ID: 1427854). An algorithm developed to predict the effect of missense changes on protein structure and function (PolyPhen-2) suggests that this variant is likely to be disruptive. In summary, the available evidence is currently insufficient to determine the role of this variant in disease. Therefore, it has been classified as a Variant of Uncertain Significance.